The following is an entry in ClinVar:

NM_182914.3(SYNE2):c.79+5T>A

Gene: SYNE2 (spectrin repeat containing nuclear envelope protein 2; plus strand). Cytogenetic location: 14q23.2.
Variant type: single nucleotide variant.
Coding change: c.79+5T>A on transcript NM_182914.3 (MANE Select); 5 bases into the intron after coding-DNA position 79, T replaced by A.
Molecular consequence: intron variant.
Genome position (GRCh38, 1-based): chr14:63,909,232, T>A. VCF-style: chr14-63909232-T-A. GRCh37 (hg19) VCF-style: chr14-64375950-T-A.
Other names: c.79+5T>A (NM_015180.6).
Identifiers: ClinVar variation 862179 (VCV000862179.9), dbSNP rs776230510, ClinGen allele CA7218976.

ClinVar aggregate classification (germline): Uncertain significance (1 of 4 stars; one submission).

Conditions:
Emery-Dreifuss muscular dystrophy 5, autosomal dominant (EDMD5). Also called: EMERY-DREIFUSS MUSCULAR DYSTROPHY 5. Identifiers: Orphanet 261, MedGen C2751805, MONDO:0013072, OMIM 612999.

Allele frequency attached by ClinVar (database versions not stated): gnomAD exomes below 0.00001; ExAC 0.00001.
gnomAD v4.1: 1 of 1,606,938 alleles (0.000062%); highest among the groups gnomAD compares: Non-Finnish European, 0.000085%; no homozygotes.

Submission:

Labcorp Genetics (formerly Invitae), Labcorp
Classification: Uncertain significance for Emery-Dreifuss muscular dystrophy 5, autosomal dominant. Last evaluated: 2019-12-12. Review status: criteria provided, single submitter. Criteria: Invitae Variant Classification Sherloc (09022015). Collection method: clinical testing. Allele origin: germline.
Comment: The frequency data for this variant in the population databases is considered unreliable, as metrics indicate poor data quality at this position in the ExAC database. This sequence change falls in intron 2 of the SYNE2 gene. It does not directly change the encoded amino acid sequence of the SYNE2 protein, but it affects a nucleotide within the consensus splice site of the intron. This variant has not been reported in the literature in individuals with SYNE2-related conditions. In summary, the available evidence is currently insufficient to determine the role of this variant in disease. Therefore, it has been classified as a Variant of Uncertain Significance. Nucleotide substitutions within the consensus splice site are a relatively common cause of aberrant splicing (PMID: 17576681, 9536098). Algorithms developed to predict the effect of sequence changes on RNA splicing suggest that this variant is not likely to affect RNA splicing, but this prediction has not been confirmed by published transcriptional studies.

Literature cited by the submitters: PubMed 17576681; PubMed 9536098.